The following is an entry in ClinVar:

NM_033380.3(COL4A5):c.3161G>A (p.Gly1054Asp)

Gene: COL4A5 (collagen type IV alpha 5 chain; plus strand). Cytogenetic location: Xq22.3.
Variant type: single nucleotide variant.
Coding change: c.3161G>A on transcript NM_033380.3 (MANE Select); coding-DNA position 3161, G replaced by A.
Protein change: p.Gly1054Asp; replaces glycine 1054 with aspartic acid.
Molecular consequence: missense variant.
Genome position (GRCh38, 1-based): chrX:108,626,264, G>A. VCF-style: chrX-108626264-G-A. GRCh37 (hg19) VCF-style: chrX-107869494-G-A.
Other names: c.3161G>A, p.Gly1054Asp (NM_000495.5); short protein forms G1054D.
Identifiers: ClinVar variation 5004129 (VCV005004129.1).

ClinVar aggregate classification (germline): Likely pathogenic (1 of 4 stars; one submission).

Conditions:
X-linked Alport syndrome (ATS1). Also called: COL4A5-Related Nephropathy; NEPHROPATHY AND DEAFNESS, X-LINKED. Identifiers: Orphanet 63, Orphanet 88917, MedGen C4746986, MONDO:0010520, OMIM 301050.

gnomAD v4.1: 1 of 1,210,256 alleles (0.000083%); highest among the groups gnomAD compares: Non-Finnish European, 0.00011%; no homozygotes.

Submission:

Myriad Genetics, Inc.
Classification: Likely pathogenic for X-linked Alport syndrome. Last evaluated: 2025-08-20. Review status: criteria provided, single submitter. Criteria: Myriad Autosomal Dominant, Autosomal Recessive and X-Linked Classification Criteria (2023). Collection method: clinical testing. Allele origin: unknown.
Comment: NM_000495.4(COL4A5):c.3161G>A(G1054D) is a missense variant classified as likely pathogenic in the context of X-linked Alport syndrome. G1054D has been observed in a case with relevant disease (PMID: 37100867). Relevant functional assessments of this variant are not available in the literature. Internal structural analysis of the variant is supportive of pathogenicity. G1054D has been observed in referenced population frequency databases. In summary, NM_000495.4(COL4A5):c.3161G>A(G1054D) is a missense variant that has internal structural support for pathogenicity and has been observed more frequently in cases with the relevant disease than in healthy populations. Please note: this variant was assessed in the context of healthy population screening.

Literature cited by the submitters: PubMed 37100867.